The following is an entry in ClinVar:

ClinVar aggregate classification (germline): Uncertain significance (1 of 4 stars; one submission).

gnomAD v4.1: 3 of 1,613,896 alleles (0.00019%); highest among the groups gnomAD compares: African/African-American, 0.004%; no homozygotes.

Submission:

GeneDx
Classification: Uncertain significance. Last evaluated: 2023-07-03. Review status: criteria provided, single submitter. Criteria: GeneDx Variant Classification Process June 2021. Collection method: clinical testing. Allele origin: germline. Affected: yes.
Comment: In silico analysis supports that this missense variant has a deleterious effect on protein structure/function; Has not been previously published as pathogenic or benign to our knowledge

NM_014159.7(SETD2):c.3374G>C (p.Cys1125Ser)

Gene: SETD2 (SET domain containing 2, histone lysine methyltransferase; minus strand). Cytogenetic location: 3p21.31.
Variant type: single nucleotide variant.
Coding change: c.3374G>C on transcript NM_014159.7 (MANE Select); coding-DNA position 3374, G replaced by C.
Protein change: p.Cys1125Ser; replaces cysteine 1125 with serine.
Molecular consequence: missense variant. On other transcripts: non-coding transcript variant (1).
Genome position (GRCh38, 1-based): chr3:47,121,262, C>G on the plus strand (G>C on the coding strand, the complement: SETD2 is on the minus strand). VCF-style: chr3-47121262-C-G. GRCh37 (hg19) VCF-style: chr3-47162752-C-G.
Other names: c.3242G>C, p.Cys1081Ser (NM_001349370.3); short protein forms C1081S, C1125S.
Identifiers: ClinVar variation 3360657 (VCV003360657.1).
Genomic context (GRCh38, chr3:47,121,262, plus strand): 5'-AAAGAAATTTCCGGATTCTTCTCTGTTCCTTTATGAAGGAAAAACTTATCAGTTTGAGGA[C>G]AGGCTTTACTTGCTATACTTTCAAATTTTTCCTCATACAAATGTCTCCTTGACTCCAATC-3'
Protein context (NP_054878.5, residues 1115-1135): EKFESIASKA[Cys1125Ser]PQTDKFFLHK